The following is an entry in ClinVar:

NM_020831.6(MRTFA):c.2365-26_2365-19del

Gene: MRTFA (myocardin related transcription factor A; minus strand). Cytogenetic location: 22q13.1.
Variant type: Deletion.
Coding change: c.2365-26_2365-19del on transcript NM_020831.6 (MANE Select); 26 bases into the intron before coding-DNA position 2365 through 19 bases into the intron before coding-DNA position 2365, 8 bases deleted (GGTCCTCT; older notation c.2365-26_2365-19delGGTCCTCT).
Molecular consequence: intron variant.
Genome position (GRCh38, 1-based): chr22:40,417,512-40,417,519, AGAGGACC deleted on the plus strand (GGTCCTCT on the coding strand, the reverse complement: MRTFA is on the minus strand); deleting any 8 consecutive bases within chr22:40,417,512-40,417,521 gives the same sequence; the c. name uses the placement nearest the transcript's 3' end. VCF-style (leftmost placement, unchanged base first): chr22-40417511-GAGAGGACC-G. GRCh37 (hg19) VCF-style: chr22-40813515-GAGAGGACC-G.
Other names: c.2215-26_2215-19del (NM_001282661.3); c.2365-26_2365-19del (NM_001282662.3); c.2170-26_2170-19del (NM_001318139.2); c.2065-26_2065-19del (NM_001282660.2).
Identifiers: ClinVar variation 3631312 (VCV003631312.2).

ClinVar aggregate classification (germline): Uncertain significance (1 of 4 stars; one submission).

Submission:

Labcorp Genetics (formerly Invitae), Labcorp
Classification: Uncertain significance. Last evaluated: 2024-06-11. Review status: criteria provided, single submitter. Criteria: Invitae Variant Classification Sherloc (09022015). Collection method: clinical testing. Allele origin: germline.
Comment: This sequence change falls in intron 12 of the MKL1 gene. It does not directly change the encoded amino acid sequence of the MKL1 protein. This variant is not present in population databases (gnomAD no frequency). This variant has not been reported in the literature in individuals affected with MKL1-related conditions. Algorithms developed to predict the effect of sequence changes on RNA splicing suggest that this variant may disrupt the consensus splice site. In summary, the available evidence is currently insufficient to determine the role of this variant in disease. Therefore, it has been classified as a Variant of Uncertain Significance.